The following is an entry in ClinVar:

NM_006282.5(STK4):c.722C>T (p.Pro241Leu)

Gene: STK4 (serine/threonine kinase 4; plus strand). Cytogenetic location: 20q13.12.
Variant type: single nucleotide variant.
Coding change: c.722C>T on transcript NM_006282.5 (MANE Select); coding-DNA position 722, C replaced by T.
Protein change: p.Pro241Leu; replaces proline 241 with leucine.
Molecular consequence: missense variant.
Genome position (GRCh38, 1-based): chr20:44,997,197, C>T. VCF-style: chr20-44997197-C-T. GRCh37 (hg19) VCF-style: chr20-43625838-C-T.
Other names: c.722C>T, p.Pro241Leu (NM_001352385.2); short protein forms P241L.
Identifiers: ClinVar variation 641185 (VCV000641185.8), dbSNP rs1279829809, ClinGen allele CA409125063.

ClinVar aggregate classification (germline): Uncertain significance (1 of 4 stars; one submission).

Conditions:
Combined immunodeficiency due to STK4 deficiency (IMD110). Also called: STK4 DEFICIENCY; MST1 DEFICIENCY; T-cell immunodeficiency, recurrent infections, and autoimmunity with or without cardiac malformations. Identifiers: Orphanet 314689, MedGen C3553943, MONDO:0013934, OMIM 614868.

Allele frequency attached by ClinVar (database versions not stated): gnomAD exomes below 0.00001; gnomAD 0.00001; TOPMed 0.00002.
gnomAD v4.1: 9 of 1,613,880 alleles (0.00056%); highest among the groups gnomAD compares: Non-Finnish European, 0.00068%; no homozygotes.

Submission:

Labcorp Genetics (formerly Invitae), Labcorp
Classification: Uncertain significance for Combined immunodeficiency due to STK4 deficiency. Last evaluated: 2022-07-12. Review status: criteria provided, single submitter. Criteria: Invitae Variant Classification Sherloc (09022015). Collection method: clinical testing. Allele origin: germline.
Comment: This sequence change replaces proline, which is neutral and non-polar, with leucine, which is neutral and non-polar, at codon 241 of the STK4 protein (p.Pro241Leu). This variant is not present in population databases (gnomAD no frequency). This variant has not been reported in the literature in individuals affected with STK4-related conditions. ClinVar contains an entry for this variant (Variation ID: 641185). Advanced modeling of protein sequence and biophysical properties (such as structural, functional, and spatial information, amino acid conservation, physicochemical variation, residue mobility, and thermodynamic stability) performed at Invitae indicates that this missense variant is not expected to disrupt STK4 protein function. In summary, the available evidence is currently insufficient to determine the role of this variant in disease. Therefore, it has been classified as a Variant of Uncertain Significance.